The following is an entry in ClinVar:

NM_001267550.2(TTN):c.63722delinsAA (p.Ser21241Ter)

Genes: TTN-AS1 (TTN antisense RNA 1; plus strand), TTN (titin; minus strand). Cytogenetic location: 2q31.2.
Variant type: Indel.
Coding change: c.63722delinsAA on transcript NM_001267550.2 (MANE Select); coding-DNA position 63722, C replaced by AA.
Protein change: p.Ser21241Ter; replaces serine 21241 with a stop codon.
Molecular consequence: nonsense.
Genome position (GRCh38, 1-based): chr2:178,587,587, G replaced by TT on the plus strand (C replaced by AA on the coding strand, the reverse complement: TTN is on the minus strand). VCF-style: chr2-178587587-G-TT. GRCh37 (hg19) VCF-style: chr2-179452314-G-TT.
Other names: c.58799delinsAA, p.Ser19600Ter (NM_001256850.1); c.36527delinsAA, p.Ser12176Ter (NM_003319.4); c.56018delinsAA, p.Ser18673Ter (NM_133378.4); c.36902delinsAA, p.Ser12301Ter (NM_133432.3); c.37103delinsAA, p.Ser12368Ter (NM_133437.4); c.36527delCinsAA (NM_003319.4); short protein forms S21241*, S12176*, S12368*, S19600*, S12301*, S18673*.
Identifiers: ClinVar variation 964858 (VCV000964858.6), dbSNP rs2049307995, ClinGen allele CA1139657447.
Genomic context (GRCh38, chr2:178,587,587, plus strand): 5'-ACATTTACGAATACAGCCTTTTCTCCTGCTGGGTTCACAAGTGTTAAGGAATATTTTCCT[G>TT]AGTCATCACGGGTAGAATTGGGGATGACAAGGAAGGCCATAGTGTCAACCAGATCAACTT-3'

ClinVar aggregate classification (germline): Likely pathogenic. Review status: criteria provided, multiple submitters, no conflicts (2 of 4 stars). 2 submissions from 2 submitters: Likely pathogenic (2). Last evaluated 2025-07-06.

Conditions:
Cardiovascular phenotype. Identifiers: MedGen CN230736.
Dilated cardiomyopathy 1G (CMD1G). Identifiers: Orphanet 154, MedGen C1858763, MONDO:0011400, OMIM 604145.
Autosomal recessive limb-girdle muscular dystrophy type 2J (LGMDR10). Also called: Limb-girdle muscular dystrophy, type 2J; MUSCULAR DYSTROPHY, LIMB-GIRDLE, AUTOSOMAL RECESSIVE 10. Identifiers: Orphanet 140922, MedGen C1837342, MONDO:0012127, OMIM 608807.

Submissions (2):

Labcorp Genetics (formerly Invitae), Labcorp
Classification: Likely pathogenic for Dilated cardiomyopathy 1G; Autosomal recessive limb-girdle muscular dystrophy type 2J. Last evaluated: 2025-07-06. Review status: criteria provided, single submitter. Criteria: Invitae Variant Classification Sherloc (09022015). Collection method: clinical testing. Allele origin: germline.
Comment: This sequence change creates a premature translational stop signal (p.Ser21241*) in the TTN gene. While this is not anticipated to result in nonsense mediated decay, it is expected to create a truncated TTN protein. Information on the frequency of this variant in the gnomAD database is not available, as this variant may be reported differently in the database. This premature translational stop signal has been observed in individual(s) with clinical features of cardiomyopathy (internal data). This variant is located in the A band of TTN (PMID: 25589632). Truncating variants in this region are significantly overrepresented in patients affected with dilated cardiomyopathy (PMID: 25589632). Truncating variants in this region have also been reported in individuals affected with autosomal recessive centronuclear myopathy (PMID: 23975875). In summary, the currently available evidence indicates that the variant is pathogenic, but additional data are needed to prove that conclusively. Therefore, this variant has been classified as Likely Pathogenic.

Ambry Genetics
Classification: Likely pathogenic for Cardiovascular phenotype. Last evaluated: 2020-09-03. Review status: criteria provided, single submitter. Criteria: Ambry Variant Classification Scheme 2023. Collection method: clinical testing. Allele origin: germline.
Comment: The c.36527delCinsAA variant, located in coding exon 133 of the TTN gene, results from the deletion of one nucleotide and insertion of two nucleotides causing a translational frameshift with a predicted alternate stop codon (p.S12176*). This exon is located in the A-band region of the N2-B isoform of the titin protein and is constitutively expressed in TTN transcripts (percent spliced in or PSI 100%). While truncating variants in TTN are present in 1-3% of the general population, truncating variants in the A-band are the most common cause of dilated cardiomyopathy (DCM) (Herman DS et al. N. Engl. J. Med., 2012 Feb;366:619-28; Roberts AM et al. Sci Transl Med, 2015 Jan;7:270ra6). TTN truncating variants encoded in constitutive exons (PSI >90%) have been found to be significantly associated with DCM regardless of their position in titin (Schafer S et al. Nat. Genet., 2017 01;49:46-53). As such, this alteration is classified as likely pathogenic.

Literature cited by the submitters: PubMed 25589632 (cited by Labcorp Genetics (formerly Invitae), Labcorp); PubMed 23975875 (cited by Labcorp Genetics (formerly Invitae), Labcorp).